The following is an entry in ClinVar:

NM_003359.4(UGDH):c.1038-8dup

Gene: UGDH (UDP-glucose 6-dehydrogenase; minus strand). Cytogenetic location: 4p14.
Variant type: Duplication.
Coding change: c.1038-8dup on transcript NM_003359.4 (MANE Select); 8 bases into the intron before coding-DNA position 1038, one base duplicated (T; older notation c.1038-8dupT).
Molecular consequence: intron variant.
Genome position (GRCh38, 1-based): chr4:39,505,378, A duplicated on the plus strand (T on the coding strand, the reverse complement: UGDH is on the minus strand); the first of 10 consecutive A bases (chr4:39,505,378-39,505,387); duplicating any one gives the same sequence. VCF-style (leftmost placement, unchanged base first): chr4-39505377-G-GA. GRCh37 (hg19) VCF-style: chr4-39506997-G-GA.
Other names: c.747-8dup (NM_001184701.2); c.837-8dup (NM_001184700.2).
Identifiers: ClinVar variation 1711589 (VCV001711589.31), dbSNP rs33942301, ClinGen allele CA2895015.

ClinVar aggregate classification (germline): Likely benign. Review status: criteria provided, multiple submitters, no conflicts (2 of 4 stars). 2 submissions from 2 submitters: Likely benign (2). Last evaluated 2025-04-01.

Submissions (2):

CeGaT Center for Human Genetics Tuebingen
Classification: Likely benign. Last evaluated: 2025-04-01. Review status: criteria provided, single submitter. Criteria: CeGaT Center For Human Genetics Tuebingen Variant Classification Criteria Version 2. Collection method: clinical testing. Allele origin: germline. Affected: yes. Observed: 17 variant alleles.
Comment: UGDH: BP4, BS2

Blueprint Genetics
Classification: Likely benign. Last evaluated: 2024-11-26. Review status: criteria provided, single submitter. Criteria: ACMG Guidelines, 2015. Collection method: clinical testing. Allele origin: germline.